The following is an entry in ClinVar:

NM_001039591.3(USP9X):c.1073T>A (p.Val358Asp)

Gene: USP9X (ubiquitin specific peptidase 9 X-linked; plus strand). Cytogenetic location: Xp11.4.
Variant type: single nucleotide variant.
Coding change: c.1073T>A on transcript NM_001039591.3 (MANE Select); coding-DNA position 1073, T replaced by A.
Protein change: p.Val358Asp; replaces valine 358 with aspartic acid.
Molecular consequence: missense variant.
Genome position (GRCh38, 1-based): chrX:41,141,343, T>A. VCF-style: chrX-41141343-T-A. GRCh37 (hg19) VCF-style: chrX-41000596-T-A.
Other names: c.1073T>A, p.Val358Asp (NM_001039590.3, NM_001410748.1, NM_001410749.1); short protein forms V358D.
Identifiers: ClinVar variation 2499260 (VCV002499260.1), dbSNP rs2519133218, ClinGen allele CA412768165.

ClinVar aggregate classification (germline): Likely pathogenic (1 of 4 stars; one submission).

Submission:

GeneDx
Classification: Likely pathogenic. Last evaluated: 2023-04-12. Review status: criteria provided, single submitter. Criteria: GeneDx Variant Classification Process June 2021. Collection method: clinical testing. Allele origin: germline. Affected: yes.
Comment: De novo variant with confirmed parentage in a patient with USP9X-related disorder (Jolly et al., 2020); Not observed at significant frequency in large population cohorts (gnomAD); In silico analysis supports that this missense variant has a deleterious effect on protein structure/function; This variant is associated with the following publications: (PMID: 33298948)